The following is an entry in ClinVar:

ClinVar aggregate classification (germline): Uncertain significance (1 of 4 stars; one submission).

Conditions:
Hereditary cancer-predisposing syndrome. Also called: Tumor predisposition; Hereditary Cancer Syndrome; Hereditary neoplastic syndrome; Neoplastic Syndromes, Hereditary. Identifiers: Orphanet 140162, MedGen C0027672, MeSH D009386, MONDO:0015356.

Submission:

Ambry Genetics
Classification: Uncertain significance for Hereditary cancer-predisposing syndrome. Last evaluated: 2024-04-14. Review status: criteria provided, single submitter. Criteria: Ambry Variant Classification Scheme 2023. Collection method: clinical testing. Allele origin: germline.
Comment: The p.P333L variant (also known as c.998C>T), located in coding exon 8 of the POLD1 gene, results from a C to T substitution at nucleotide position 998. The proline at codon 333 is replaced by leucine, an amino acid with similar properties. This amino acid position is conserved. In addition, the in silico prediction for this alteration is inconclusive. Based on the available evidence, the clinical significance of this variant remains unclear.

NM_002691.4(POLD1):c.998C>T (p.Pro333Leu)

Gene: POLD1 (DNA polymerase delta 1, catalytic subunit; plus strand). Cytogenetic location: 19q13.33.
Variant type: single nucleotide variant.
Coding change: c.998C>T on transcript NM_002691.4 (MANE Select); coding-DNA position 998, C replaced by T.
Protein change: p.Pro333Leu; replaces proline 333 with leucine.
Molecular consequence: missense variant. On other transcripts: non-coding transcript variant (1).
Genome position (GRCh38, 1-based): chr19:50,403,080, C>T. VCF-style: chr19-50403080-C-T. GRCh37 (hg19) VCF-style: chr19-50906337-C-T.
Other names: c.998C>T, p.Pro333Leu (NM_001256849.1, NM_001308632.1); short protein forms P333L.
Identifiers: ClinVar variation 3308273 (VCV003308273.1).